The following is an entry in ClinVar:

NM_001164508.2(NEB):c.1432G>T (p.Glu478Ter)

Gene: NEB (nebulin; minus strand). Cytogenetic location: 2q23.3.
Variant type: single nucleotide variant.
Coding change: c.1432G>T on transcript NM_001164508.2 (MANE Select); coding-DNA position 1432, G replaced by T.
Protein change: p.Glu478Ter; replaces glutamic acid 478 with a stop codon.
Molecular consequence: nonsense.
Genome position (GRCh38, 1-based): chr2:151,697,186, C>A on the plus strand (G>T on the coding strand, the complement: NEB is on the minus strand). VCF-style: chr2-151697186-C-A. GRCh37 (hg19) VCF-style: chr2-152553700-C-A.
Other names: c.1432G>T, p.Glu478Ter (NM_001271208.2, NM_004543.5, NM_001164507.2); short protein forms E478*.
Identifiers: ClinVar variation 4814728 (VCV004814728.1).

ClinVar aggregate classification (germline): Likely pathogenic (1 of 4 stars; one submission).

Conditions:
Nemaline myopathy 2 (NEM2). Also called: Nemaline myopathy 2, autosomal recessive. Identifiers: MedGen C1850569, MONDO:0009725, OMIM 256030.

Submission:

Natera, Inc.
Classification: Likely pathogenic for Nemaline myopathy type 2. Last evaluated: 2024-08-07. Review status: criteria provided, single submitter. Criteria: Natera Variant Classification Schema (03/2026). Collection method: clinical testing. Allele origin: germline.
Comment: The c.1432G>T variant in NEB is a nonsense variant predicted to introduce a stop codon at amino acid 478. This variant is expected to result in nonsense mediated decay, truncation, or a dysfunctional protein product. This variant is rare in the general population with a frequency below the threshold expected for the associated phenotype(s). Given the available evidence, this variant is classified as Likely Pathogenic.